The following is an entry in ClinVar:

ClinVar aggregate classification (germline): Likely benign (1 of 4 stars; one submission).

Allele frequency attached by ClinVar (database versions not stated): gnomAD exomes below 0.00001; gnomAD 0.00001 and 0.00003; ExAC 0.00001.
gnomAD v4.1: 1 of 1,610,430 alleles (0.000062%); highest among the groups gnomAD compares: Non-Finnish European, 0.000085%; no homozygotes.

Submission:

GeneDx
Classification: Likely benign. Last evaluated: 2017-01-16. Review status: criteria provided, single submitter. Criteria: GeneDx Variant Classification (06012015). Collection method: clinical testing. Allele origin: germline. Affected: yes.
Comment: This variant is considered likely benign or benign based on one or more of the following criteria: it is a conservative change, it occurs at a poorly conserved position in the protein, it is predicted to be benign by multiple in silico algorithms, and/or has population frequency not consistent with disease.

NM_001267550.2(TTN):c.29169T>C (p.Gly9723=)

Gene: TTN (titin; minus strand). Cytogenetic location: 2q31.2.
Variant type: single nucleotide variant.
Coding change: c.29169T>C on transcript NM_001267550.2 (MANE Select); coding-DNA position 29169, T replaced by C.
Protein change: p.Gly9723=; no amino-acid change (glycine 9723 retained).
Molecular consequence: synonymous variant. On other transcripts: intron variant (3).
Genome position (GRCh38, 1-based): chr2:178,706,705, A>G on the plus strand (T>C on the coding strand, the complement: TTN is on the minus strand). VCF-style: chr2-178706705-A-G. GRCh37 (hg19) VCF-style: chr2-179571432-A-G.
Other names: c.28218T>C, p.Gly9406= (NM_001256850.1); c.25437T>C, p.Gly8479= (NM_133378.4); c.13282+31377T>C (NM_003319.4); c.13858+31377T>C (NM_133437.4); c.13657+31377T>C (NM_133432.3).
Identifiers: ClinVar variation 392678 (VCV000392678.1), dbSNP rs750700619, ClinGen allele CA1999427.